The following is an entry in ClinVar:

ClinVar aggregate classification (germline): Benign/Likely benign. Review status: criteria provided, multiple submitters, no conflicts (2 of 4 stars). 2 submissions from 2 submitters: Benign (1); Likely benign (1). Last evaluated 2024-12-30.

Conditions:
Hereditary cancer-predisposing syndrome. Also called: Tumor predisposition; Hereditary Cancer Syndrome; Hereditary neoplastic syndrome; Neoplastic Syndromes, Hereditary. Identifiers: Orphanet 140162, MedGen C0027672, MeSH D009386, MONDO:0015356.
Lynch syndrome 5 (LYNCH5). Also called: Hereditary non-polyposis colorectal cancer, type 5; Colorectal cancer, hereditary nonpolyposis, type 5. Identifiers: Orphanet 144, MedGen C1833477, MONDO:0013710, OMIM 614350. Disease mechanism: loss of function.

gnomAD v4.1: 1 of 1,614,204 alleles (0.000062%); highest among the groups gnomAD compares: South Asian, 0.0011%; no homozygotes.

Submissions (2):

Myriad Genetics, Inc.
Classification: Benign for Lynch syndrome 5. Last evaluated: 2024-12-30. Review status: criteria provided, single submitter. Criteria: Myriad Autosomal Dominant, Autosomal Recessive and X-Linked Classification Criteria (2023). Collection method: clinical testing. Allele origin: unknown.
Comment: This variant is considered benign. This variant is a silent/synonymous amino acid change and it is not expected to impact splicing.

Ambry Genetics
Classification: Likely benign for Hereditary cancer-predisposing syndrome. Last evaluated: 2024-03-29. Review status: criteria provided, single submitter. Criteria: Ambry Variant Classification Scheme 2023. Collection method: clinical testing. Allele origin: germline.

NM_000179.3(MSH6):c.2157T>C (p.Thr719=)

Gene: MSH6 (mutS homolog 6; plus strand). Cytogenetic location: 2p16.3.
Variant type: single nucleotide variant.
Coding change: c.2157T>C on transcript NM_000179.3 (MANE Select); coding-DNA position 2157, T replaced by C.
Protein change: p.Thr719=; no amino-acid change (threonine 719 retained).
Molecular consequence: synonymous variant. On other transcripts: non-coding transcript variant (5), intron variant (2).
Genome position (GRCh38, 1-based): chr2:47,800,140, T>C. VCF-style: chr2-47800140-T-C. GRCh37 (hg19) VCF-style: chr2-48027279-T-C.
Other names: c.2163T>C, p.Thr721= (NM_001406813.1); c.1251T>C, p.Thr417= (NM_001406814.1, NM_001406815.1, NM_001406816.1 and 6 more transcripts); c.1860T>C, p.Thr620= (NM_001406818.1, NM_001406819.1, NM_001406820.1 and 10 more transcripts); c.1989T>C, p.Thr663= (NM_001406826.1); c.1606+551T>C (NM_001406817.1); c.628-526T>C (NM_001407362.1); c.1767T>C, p.Thr589= (NM_001281492.2); c.2253T>C, p.Thr751= (NM_001406795.1, NM_001406802.1); and 3 more.
Identifiers: ClinVar variation 3296368 (VCV003296368.2).